The following is an entry in ClinVar:

ClinVar aggregate classification (germline): Uncertain significance (1 of 4 stars; one submission).

gnomAD v4.1: 1 of 1,613,572 alleles (0.000062%); highest among the groups gnomAD compares: Non-Finnish European, 0.000085%; no homozygotes.

Submission:

Labcorp Genetics (formerly Invitae), Labcorp
Classification: Uncertain significance. Last evaluated: 2026-01-14. Review status: criteria provided, single submitter. Criteria: Invitae Variant Classification Sherloc (09022015). Collection method: clinical testing. Allele origin: germline.
Comment: This sequence change replaces isoleucine, which is neutral and non-polar, with methionine, which is neutral and non-polar, at codon 2942 of the DNAH9 protein (p.Ile2942Met). This variant is not present in population databases (gnomAD no frequency). This variant has not been reported in the literature in individuals affected with DNAH9-related conditions. Invitae Evidence Modeling of protein sequence and biophysical properties (such as structural, functional, and spatial information, amino acid conservation, physicochemical variation, residue mobility, and thermodynamic stability) has been performed for this missense variant. However, the output from this modeling did not meet the statistical confidence thresholds required to predict the impact of this variant on DNAH9 protein function. In summary, the available evidence is currently insufficient to determine the role of this variant in disease. Therefore, it has been classified as a Variant of Uncertain Significance.

NM_001372.4(DNAH9):c.8826A>G (p.Ile2942Met)

Gene: DNAH9 (dynein axonemal heavy chain 9; plus strand). Cytogenetic location: 17p12.
Variant type: single nucleotide variant.
Coding change: c.8826A>G on transcript NM_001372.4 (MANE Select); coding-DNA position 8826, A replaced by G.
Protein change: p.Ile2942Met; replaces isoleucine 2942 with methionine.
Molecular consequence: missense variant.
Genome position (GRCh38, 1-based): chr17:11,822,038, A>G. VCF-style: chr17-11822038-A-G. GRCh37 (hg19) VCF-style: chr17-11725355-A-G.
Other names: short protein forms I2942M.
Identifiers: ClinVar variation 4743560 (VCV004743560.1).
Genomic context (GRCh38, chr17:11,822,038, plus strand): 5'-GAATGAAGTCAAGAGCCAGGGTCTGGTTGACAACAGAGAGAACTGTTGGAAGTTCTTTAT[A>G]GATCGGATCCGGCGACAGCTGAAGGTAAAGAGCATTTACTGACAGGGGCAGGCAGAGACC-3'
Protein context (NP_001363.2, residues 2932-2952): DNRENCWKFF[Ile2942Met]DRIRRQLKVT